The following is an entry in ClinVar:

ClinVar aggregate classification (germline): Uncertain significance (1 of 4 stars; one submission).

Submission:

Labcorp Genetics (formerly Invitae), Labcorp
Classification: Uncertain significance. Last evaluated: 2024-03-21. Review status: criteria provided, single submitter. Criteria: Invitae Variant Classification Sherloc (09022015). Collection method: clinical testing. Allele origin: germline.
Comment: This sequence change replaces glycine, which is neutral and non-polar, with serine, which is neutral and polar, at codon 147 of the SLC17A8 protein (p.Gly147Ser). This variant is not present in population databases (gnomAD no frequency). This variant has not been reported in the literature in individuals affected with SLC17A8-related conditions. Advanced modeling of protein sequence and biophysical properties (such as structural, functional, and spatial information, amino acid conservation, physicochemical variation, residue mobility, and thermodynamic stability) performed at Invitae indicates that this missense variant is not expected to disrupt SLC17A8 protein function with a negative predictive value of 80%. In summary, the available evidence is currently insufficient to determine the role of this variant in disease. Therefore, it has been classified as a Variant of Uncertain Significance.

NM_139319.3(SLC17A8):c.439G>A (p.Gly147Ser)

Gene: SLC17A8 (solute carrier family 17 member 8; plus strand). Cytogenetic location: 12q23.1.
Variant type: single nucleotide variant.
Coding change: c.439G>A on transcript NM_139319.3 (MANE Select); coding-DNA position 439, G replaced by A.
Protein change: p.Gly147Ser; replaces glycine 147 with serine.
Molecular consequence: missense variant.
Genome position (GRCh38, 1-based): chr12:100,391,085, G>A. VCF-style: chr12-100391085-G-A. GRCh37 (hg19) VCF-style: chr12-100784863-G-A.
Other names: c.439G>A, p.Gly147Ser (NM_001145288.2); short protein forms G147S.
Identifiers: ClinVar variation 3647268 (VCV003647268.2).
Genomic context (GRCh38, chr12:100,391,085, plus strand): 5'-GAAACAGTGGGCCTTATCCATGGATCTTTTTTCTGGGGCTATATTATGACACAAATTCCA[G>A]GTGGTTTCATTTCAAACAAGTTTGCTGCTAACAGGTAAGATAAATTGATATAACATGATA-3'
Protein context (NP_647480.1, residues 137-157): FWGYIMTQIP[Gly147Ser]GFISNKFAAN